The following is an entry in ClinVar:

ClinVar aggregate classification (germline): Likely benign (1 of 4 stars; one submission).

Allele frequency attached by ClinVar (database versions not stated): ExAC 0.00002; TOPMed 0.00002; gnomAD 0.00003; gnomAD exomes 0.00004.
gnomAD v4.1: 60 of 1,614,006 alleles (0.0037%); highest among the groups gnomAD compares: East Asian, 0.013%; no homozygotes.

Submission:

CeGaT Center for Human Genetics Tuebingen
Classification: Likely benign. Last evaluated: 2022-11-01. Review status: criteria provided, single submitter. Criteria: CeGaT Center For Human Genetics Tuebingen Variant Classification Criteria Version 2. Collection method: clinical testing. Allele origin: germline. Affected: yes. Observed: 1 variant allele.
Comment: SPDEF: BP4, BP7

NM_012391.3(SPDEF):c.906C>T (p.Tyr302=)

Gene: SPDEF (SAM pointed domain containing ETS transcription factor; minus strand). Cytogenetic location: 6p21.31.
Variant type: single nucleotide variant.
Coding change: c.906C>T on transcript NM_012391.3 (MANE Select); coding-DNA position 906, C replaced by T.
Protein change: p.Tyr302=; no amino-acid change (tyrosine 302 retained).
Molecular consequence: synonymous variant.
Genome position (GRCh38, 1-based): chr6:34,538,376, G>A on the plus strand (C>T on the coding strand, the complement: SPDEF is on the minus strand). VCF-style: chr6-34538376-G-A. GRCh37 (hg19) VCF-style: chr6-34506153-G-A.
Other names: c.858C>T, p.Tyr286= (NM_001252294.2).
Identifiers: ClinVar variation 2656505 (VCV002656505.24), dbSNP rs768966626, ClinGen allele CA3765519.